The following is an entry in ClinVar:

ClinVar aggregate classification (germline): Likely benign. Review status: criteria provided, multiple submitters, no conflicts (2 of 4 stars). 3 submissions from 3 submitters: Likely benign (2). 1 of the submissions does not count toward it. Last evaluated 2025-07-06.

Conditions:
CARS2-related disorder. Also called: CARS2-related condition.
Combined oxidative phosphorylation defect type 27. Also called: Combined oxidative phosphorylation deficiency 27. Identifiers: Orphanet 477774, MedGen C5567608, MONDO:0014728, OMIM 616672.

Allele frequency attached by ClinVar (database versions not stated): ExAC 0.00002; gnomAD 0.00007 and 0.00006; gnomAD exomes 0.00002 and 0.00004; ESP Exome Variant Server 0.00008; TOPMed 0.00005.

Submissions (3):

Labcorp Genetics (formerly Invitae), Labcorp
Classification: Likely benign for Combined oxidative phosphorylation defect type 27. Last evaluated: 2025-07-06. Review status: criteria provided, single submitter. Criteria: Invitae Variant Classification Sherloc (09022015). Collection method: clinical testing. Allele origin: germline.

Laboratory of Genetics, Children's Clinical University Hospital Latvia
Classification: Likely benign. Last evaluated: 2025-02-16. Review status: criteria provided, single submitter. Criteria: ACMG Guidelines, 2015. Collection method: clinical testing. Allele origin: germline. Affected: yes.

PreventionGenetics, part of Exact Sciences
Classification: Likely benign for CARS2-related condition. Last evaluated: 2019-04-09. Review status: no assertion criteria provided. Collection method: clinical testing. Allele origin: germline. Not counted in ClinVar's aggregate classification.
Comment: This variant is classified as likely benign based on ACMG/AMP sequence variant interpretation guidelines (Richards et al. 2015 PMID: 25741868, with internal and published modifications).

NM_024537.4(CARS2):c.753G>A (p.Pro251=)

Gene: CARS2 (cysteinyl-tRNA synthetase 2, mitochondrial; minus strand). Cytogenetic location: 13q34.
Variant type: single nucleotide variant.
Coding change: c.753G>A on transcript NM_024537.4 (MANE Select); coding-DNA position 753, G replaced by A.
Protein change: p.Pro251=; no amino-acid change (proline 251 retained).
Molecular consequence: synonymous variant. On other transcripts: 5 prime UTR variant (1), non-coding transcript variant (2).
Genome position (GRCh38, 1-based): chr13:110,677,006, C>T on the plus strand (G>A on the coding strand, the complement: CARS2 is on the minus strand). VCF-style: chr13-110677006-C-T. GRCh37 (hg19) VCF-style: chr13-111329353-C-T.
Other names: c.753G>A (NM_024537.3); c.-34G>A (NM_001352252.2); c.753G>A, p.Pro251= (NM_001352253.3).
Identifiers: ClinVar variation 1131441 (VCV001131441.12), dbSNP rs149601283, ClinGen allele CA7052090.